The following is an entry in ClinVar:

NM_021074.5(NDUFV2):c.551C>T (p.Pro184Leu)

Genes: NDUFV2 (NADH:ubiquinone oxidoreductase core subunit V2; plus strand), NDUFV2-AS1 (NDUFV2 antisense RNA 1; minus strand). Cytogenetic location: 18p11.22.
Variant type: single nucleotide variant.
Coding change: c.551C>T on transcript NM_021074.5 (MANE Select); coding-DNA position 551, C replaced by T.
Protein change: p.Pro184Leu; replaces proline 184 with leucine.
Molecular consequence: missense variant.
Genome position (GRCh38, 1-based): chr18:9,124,955, C>T. VCF-style: chr18-9124955-C-T. GRCh37 (hg19) VCF-style: chr18-9124953-C-T.
Other names: short protein forms P184L.
Identifiers: ClinVar variation 4293306 (VCV004293306.1).

ClinVar aggregate classification (germline): Uncertain significance (1 of 4 stars; one submission).

Conditions:
Mitochondrial complex I deficiency, nuclear type 7. Also called: Mitochondrial complex 1 deficiency, nuclear type 7. Identifiers: MedGen C4748760, MONDO:0032612, OMIM 618229.

gnomAD v4.1: 17 of 1,613,354 alleles (0.0011%); highest among the groups gnomAD compares: South Asian, 0.0022%; no homozygotes.

Submission:

3billion
Classification: Uncertain significance for Mitochondrial complex I deficiency, nuclear type 7. Last evaluated: 2024-11-18. Review status: criteria provided, single submitter. Criteria: ACMG Guidelines, 2015. Collection method: clinical testing. Allele origin: germline. Affected: yes.
Comment: The variant is observed at an extremely low frequency in the gnomAD v4.1.0 dataset (total allele frequency: 0.001%). Predicted Consequence/Location: Missense variant In silico tool predictions suggest damaging effect of the variant on gene or gene product [REVEL: 0.83 (>=0.6, sensitivity 0.68 and specificity 0.92); 3Cnet: 0.98 (>=0.6, sensitivity 0.72 and precision 0.9)]. Therefore, this variant is classified as VUS according to the recommendation of ACMG/AMP guideline.